The following is an entry in ClinVar:

NM_031418.4(ANO3):c.2276-3C>T

Gene: ANO3 (anoctamin 3; plus strand). Cytogenetic location: 11p14.2.
Variant type: single nucleotide variant.
Coding change: c.2276-3C>T on transcript NM_031418.4 (MANE Select); 3 bases into the intron before coding-DNA position 2276, C replaced by T.
Molecular consequence: intron variant.
Genome position (GRCh38, 1-based): chr11:26,643,179, C>T. VCF-style: chr11-26643179-C-T. GRCh37 (hg19) VCF-style: chr11-26664726-C-T.
Other names: c.2459-3C>T (NM_001313726.2); c.1838-3C>T (NM_001313727.2).
Identifiers: ClinVar variation 2105311 (VCV002105311.4), dbSNP rs769182967, ClinGen allele CA5926469.

ClinVar aggregate classification (germline): Uncertain significance (1 of 4 stars; one submission).

Conditions:
Dystonic disorder. Also called: Dystonia. Identifiers: MedGen C0013421, MONDO:0003441, HP:0001332.

Allele frequency attached by ClinVar (database versions not stated): gnomAD exomes below 0.00001; ExAC 0.00001; TOPMed 0.00001.
gnomAD v4.1: 1 of 1,613,242 alleles (0.000062%); highest among the groups gnomAD compares: South Asian, 0.0011%; no homozygotes.

Submission:

Labcorp Genetics (formerly Invitae), Labcorp
Classification: Uncertain significance for Dystonic disorder. Last evaluated: 2025-01-27. Review status: criteria provided, single submitter. Criteria: Invitae Variant Classification Sherloc (09022015). Collection method: clinical testing. Allele origin: germline.
Comment: This sequence change falls in intron 22 of the ANO3 gene. It does not directly change the encoded amino acid sequence of the ANO3 protein. It affects a nucleotide within the consensus splice site. This variant is present in population databases (rs769182967, gnomAD 0.003%). This variant has not been reported in the literature in individuals affected with ANO3-related conditions. ClinVar contains an entry for this variant (Variation ID: 2105311). Variants that disrupt the consensus splice site are a relatively common cause of aberrant splicing (PMID: 17576681, 9536098). Algorithms developed to predict the effect of sequence changes on RNA splicing suggest that this variant may create or strengthen a splice site. In summary, the available evidence is currently insufficient to determine the role of this variant in disease. Therefore, it has been classified as a Variant of Uncertain Significance.

Literature cited by the submitters: PubMed 17576681; PubMed 9536098.